The following is an entry in ClinVar:

ClinVar aggregate classification (germline): Pathogenic (1 of 4 stars; one submission).

Conditions:
Neurofibromatosis, type 1 (NF1). Also called: NEUROFIBROMATOSIS, TYPE I, SOMATIC; Peripheral type neurofibromatosis; VON RECKLINGHAUSEN DISEASE; Neurofibromatosis, type I. Identifiers: Orphanet 636, MedGen C0027831, MONDO:0018975, OMIM 162200. Disease mechanism: loss of function.

Submission:

Labcorp Genetics (formerly Invitae), Labcorp
Classification: Pathogenic for Neurofibromatosis, type 1. Last evaluated: 2022-10-30. Review status: criteria provided, single submitter. Criteria: Invitae Variant Classification Sherloc (09022015). Collection method: clinical testing. Allele origin: germline.
Comment: This variant is not present in population databases (gnomAD no frequency). For these reasons, this variant has been classified as Pathogenic. This variant has not been reported in the literature in individuals affected with NF1-related conditions. This sequence change creates a premature translational stop signal (p.Glu649Aspfs*39) in the NF1 gene. It is expected to result in an absent or disrupted protein product. Loss-of-function variants in NF1 are known to be pathogenic (PMID: 10712197, 23913538).

Literature cited by the submitters: PubMed 10712197; PubMed 23913538.

NM_001042492.3(NF1):c.1947del (p.Glu649fs)

Gene: NF1 (neurofibromin 1; plus strand). Cytogenetic location: 17q11.2.
Variant type: Deletion.
Coding change: c.1947del on transcript NM_001042492.3 (MANE Select); coding-DNA position 1947, one base deleted (A; older notation c.1947delA).
Protein change: p.Glu649fs; shifts the reading frame from glutamic acid 649.
Molecular consequence: frameshift variant.
Genome position (GRCh38, 1-based): chr17:31,225,196, A deleted; the last of 2 consecutive A bases (chr17:31,225,195-31,225,196); deleting either gives the same sequence. VCF-style (leftmost placement, unchanged base first): chr17-31225194-GA-G. GRCh37 (hg19) VCF-style: chr17-29552212-GA-G.
Other names: c.1947delA, p.Glu649Aspfs (NM_000267.4); short protein forms E649fs.
Identifiers: ClinVar variation 2810750 (VCV002810750.3), dbSNP rs2508142088, ClinGen allele CA2739267504.
Genomic context (GRCh38, chr17:31,225,194, plus strand): 5'-GGGGTAGGATGTGATATTCCTTCTAGTGGAAATACCAGTCAAATGTCCATGGATCATGAA[GA>G]ATTACTACGTACTCCTGGAGCCTCTCTCCGGAAGGGAAAAGGGAACTCCTCTATGGTCAG-3'